The following is an entry in ClinVar:

NM_022725.4(FANCF):c.680A>G (p.His227Arg)

Gene: FANCF (FA complementation group F; minus strand). Cytogenetic location: 11p14.3.
Variant type: single nucleotide variant.
Coding change: c.680A>G on transcript NM_022725.4 (MANE Select); coding-DNA position 680, A replaced by G.
Protein change: p.His227Arg; replaces histidine 227 with arginine.
Molecular consequence: missense variant.
Genome position (GRCh38, 1-based): chr11:22,625,131, T>C on the plus strand (A>G on the coding strand, the complement: FANCF is on the minus strand). VCF-style: chr11-22625131-T-C. GRCh37 (hg19) VCF-style: chr11-22646677-T-C.
Other names: short protein forms H227R.
Identifiers: ClinVar variation 878062 (VCV000878062.10), dbSNP rs1248152779, ClinGen allele CA380058548.
Genomic context (GRCh38, chr11:22,625,131, plus strand): 5'-ACTTCCGAATTCCCCAGAAGCCAGTGGACTAGCACTTGGCTCCCCTCTCCAGGTGATTTG[T>C]GGATGCCGGGTTCCAACTCTTCTTGGGGCCGACGAGACAAAGGCGGCTGCAACAGCGCCA-3'
Protein context (NP_073562.1, residues 217-237): RPQEELEPGI[His227Arg]KSPGEGSQVL

ClinVar aggregate classification (germline): Uncertain significance. Review status: criteria provided, multiple submitters, no conflicts (2 of 4 stars). 3 submissions from 3 submitters: Uncertain significance (3). Last evaluated 2022-04-26.

Conditions:
Fanconi anemia (FA). Also called: Fanconi's anemia. Identifiers: Orphanet 84, MedGen C0015625, MeSH D005199, MONDO:0019391.
Fanconi anemia complementation group F. Also called: FANCF-Related Fanconi Anemia. Identifiers: Orphanet 84, MedGen C3469526, MONDO:0011325, OMIM 603467.

Allele frequency attached by ClinVar (database versions not stated): gnomAD 0.00001; gnomAD exomes 0.00001; TOPMed 0.00002.

Submissions (3):

Fulgent Genetics
Classification: Uncertain significance for Fanconi anemia complementation group F. Last evaluated: 2022-04-26. Review status: criteria provided, single submitter. Criteria: ACMG Guidelines, 2015. Collection method: clinical testing. Allele origin: unknown.

Labcorp Genetics (formerly Invitae), Labcorp
Classification: Uncertain significance for Fanconi anemia. Last evaluated: 2021-03-26. Review status: criteria provided, single submitter. Criteria: Invitae Variant Classification Sherloc (09022015). Collection method: clinical testing. Allele origin: germline.
Comment: In summary, the available evidence is currently insufficient to determine the role of this variant in disease. Therefore, it has been classified as a Variant of Uncertain Significance. Algorithms developed to predict the effect of missense changes on protein structure and function (SIFT, PolyPhen-2, Align-GVGD) all suggest that this variant is likely to be tolerated, but these predictions have not been confirmed by published functional studies and their clinical significance is uncertain. This variant has not been reported in the literature in individuals with FANCF-related conditions. ClinVar contains an entry for this variant (Variation ID: 878062). This variant is not present in population databases (ExAC no frequency). This sequence change replaces histidine with arginine at codon 227 of the FANCF protein (p.His227Arg). The histidine residue is weakly conserved and there is a small physicochemical difference between histidine and arginine.

Illumina Laboratory Services, Illumina
Classification: Uncertain significance for Fanconi anemia complementation group F. Last evaluated: 2018-01-13. Review status: criteria provided, single submitter. Criteria: ICSL Variant Classification Criteria 13 December 2019. Collection method: clinical testing. Allele origin: germline.